The following is an entry in ClinVar:

NM_000219.6(KCNE1):c.77A>G (p.Asn26Ser)

Gene: KCNE1 (potassium voltage-gated channel subfamily E regulatory subunit 1; minus strand). Cytogenetic location: 21q22.12.
Variant type: single nucleotide variant.
Coding change: c.77A>G on transcript NM_000219.6 (MANE Select); coding-DNA position 77, A replaced by G.
Protein change: p.Asn26Ser; replaces asparagine 26 with serine.
Molecular consequence: missense variant.
Genome position (GRCh38, 1-based): chr21:34,449,558, T>C on the plus strand (A>G on the coding strand, the complement: KCNE1 is on the minus strand). VCF-style: chr21-34449558-T-C. GRCh37 (hg19) VCF-style: chr21-35821856-T-C.
Other names: c.77A>G, p.Asn26Ser (NM_001127668.4, NM_001127669.4, NM_001127670.4 and 4 more transcripts); short protein forms N26S.
Identifiers: ClinVar variation 3373986 (VCV003373986.2).

Conditions:
Long QT syndrome 5 (LQT5). Identifiers: Orphanet 101016, Orphanet 768, MedGen C1867904, MONDO:0013372, OMIM 613695.

Submission:

Roden Lab, Vanderbilt University Medical Center
No classification provided (evidence only). Condition: Long QT syndrome 5. Review status: no classification provided. Collection method: in vitro. Allele origin: not applicable. Functional consequence: Effect on ion channel function.
ClinVar note: "not provided" was previously submitted as the classification for the variant. However, the classification appeared to be based only on an observation of functional data so it was converted to no classification on 2025-07-30.